The following is an entry in ClinVar:

ClinVar aggregate classification (germline): Benign/Likely benign. Review status: criteria provided, multiple submitters, no conflicts (2 of 4 stars). 2 submissions from 2 submitters: Benign (1); Likely benign (1). Last evaluated 2022-08-01.

Allele frequency attached by ClinVar (database versions not stated): ESP Exome Variant Server 0.00038; gnomAD 0.00040 and 0.00050; TOPMed 0.00045; ExAC 0.00062; 1000 Genomes Project 0.00120; 1000 Genomes Project 30x 0.00125.
gnomAD v4.1: 651 of 1,609,352 alleles (0.04%); highest among the groups gnomAD compares: South Asian, 0.22%; 2 homozygotes.

Submissions (3):

CeGaT Center for Human Genetics Tuebingen
Classification: Likely benign. Last evaluated: 2022-08-01. Review status: criteria provided, single submitter. Criteria: CeGaT Center For Human Genetics Tuebingen Variant Classification Criteria Version 2. Collection method: clinical testing. Allele origin: germline. Affected: yes. Observed: 1 variant allele.
Comment: LRP1: BP4, BP7

Labcorp Genetics (formerly Invitae), Labcorp
Classification: Benign. Last evaluated: 2018-07-18. Review status: criteria provided, single submitter. Criteria: Invitae Variant Classification Sherloc (09022015). Collection method: clinical testing. Allele origin: germline.

Dr. Peter K. Rogan Lab, Western University
No classification provided (evidence only). Condition: Hepatocellular carcinoma. Review status: no classification provided. Collection method: in vitro. Allele origin: not applicable. Functional consequence: retained intron. Not counted in ClinVar's aggregate classification.

NM_002332.3(LRP1):c.1458G>A (p.Pro486=)

Gene: LRP1 (LDL receptor related protein 1; plus strand). Cytogenetic location: 12q13.3.
Variant type: single nucleotide variant.
Coding change: c.1458G>A on transcript NM_002332.3 (MANE Select); coding-DNA position 1458, G replaced by A.
Protein change: p.Pro486=; no amino-acid change (proline 486 retained).
Molecular consequence: synonymous variant.
Genome position (GRCh38, 1-based): chr12:57,156,817, G>A. VCF-style: chr12-57156817-G-A. GRCh37 (hg19) VCF-style: chr12-57550600-G-A.
Other names: NC_000012.11:g.57550600G>A.
Identifiers: ClinVar variation 728775 (VCV000728775.28), dbSNP rs138966453, ClinGen allele CA6642547.